The following is an entry in ClinVar:

ClinVar aggregate classification (germline): Conflicting classifications of pathogenicity. Review status: criteria provided, conflicting classifications (1 of 4 stars). 3 submissions from 3 submitters: Uncertain significance (2); Likely benign (1). Last evaluated 2023-10-04.

Conditions:
Adams-Oliver syndrome 5 (AOS5). Identifiers: Orphanet 974, MedGen C4014970, MONDO:0014459, OMIM 616028.
Familial thoracic aortic aneurysm and aortic dissection (TAAD). Also called: Thoracic aortic aneurysms and dissections. Identifiers: Orphanet 91387, MedGen C4707243, MONDO:0019625.

Allele frequency attached by ClinVar (database versions not stated): TOPMed below 0.00001.
gnomAD v4.1: 16 of 1,595,156 alleles (0.001%); highest among the groups gnomAD compares: Non-Finnish European, 0.0013%; no homozygotes.

Submissions (3):

Labcorp Genetics (formerly Invitae), Labcorp
Classification: Uncertain significance for Adams-Oliver syndrome 5. Last evaluated: 2023-10-04. Review status: criteria provided, single submitter. Criteria: Invitae Variant Classification Sherloc (09022015). Collection method: clinical testing. Allele origin: germline.
Comment: This sequence change replaces valine, which is neutral and non-polar, with methionine, which is neutral and non-polar, at codon 2476 of the NOTCH1 protein (p.Val2476Met). The frequency data for this variant in the population databases is considered unreliable, as metrics indicate poor data quality at this position in the gnomAD database. This variant has not been reported in the literature in individuals affected with NOTCH1-related conditions. ClinVar contains an entry for this variant (Variation ID: 1306381). Advanced modeling of protein sequence and biophysical properties (such as structural, functional, and spatial information, amino acid conservation, physicochemical variation, residue mobility, and thermodynamic stability) performed at Invitae indicates that this missense variant is not expected to disrupt NOTCH1 protein function. In summary, the available evidence is currently insufficient to determine the role of this variant in disease. Therefore, it has been classified as a Variant of Uncertain Significance.

Ambry Genetics
Classification: Likely benign for Familial thoracic aortic aneurysm and aortic dissection. Last evaluated: 2021-12-17. Review status: criteria provided, single submitter. Criteria: Ambry Variant Classification Scheme 2023. Collection method: clinical testing. Allele origin: germline.

GeneDx
Classification: Uncertain significance. Last evaluated: 2019-06-05. Review status: criteria provided, single submitter. Criteria: GeneDx Variant Classification Process June 2021. Collection method: clinical testing. Allele origin: germline. Affected: yes.
Comment: Has not been previously published as pathogenic or benign to our knowledge; In silico analysis, which includes protein predictors and evolutionary conservation, supports that this variant does not alter protein structure/function

NM_017617.5(NOTCH1):c.7426G>A (p.Val2476Met)

Gene: NOTCH1 (notch receptor 1; minus strand). Cytogenetic location: 9q34.3.
Variant type: single nucleotide variant.
Coding change: c.7426G>A on transcript NM_017617.5 (MANE Select); coding-DNA position 7426, G replaced by A.
Protein change: p.Val2476Met; replaces valine 2476 with methionine.
Molecular consequence: missense variant.
Genome position (GRCh38, 1-based): chr9:136,496,313, C>T on the plus strand (G>A on the coding strand, the complement: NOTCH1 is on the minus strand). VCF-style: chr9-136496313-C-T. GRCh37 (hg19) VCF-style: chr9-139390765-C-T.
Other names: short protein forms V2476M.
Identifiers: ClinVar variation 1306381 (VCV001306381.7), dbSNP rs763785541, ClinGen allele CA201632444.